The following is an entry in ClinVar:

ClinVar aggregate classification (germline): Benign. Review status: criteria provided, multiple submitters, no conflicts (2 of 4 stars). 4 submissions from 3 submitters: Benign (4). Last evaluated 2021-05-04.

Conditions:
Oguchi disease. Also called: Oguchi's disease. Identifiers: Orphanet 75382, MedGen C1306122, MONDO:0019152.
Retinitis pigmentosa (RP). Identifiers: Orphanet 791, MedGen C0035334, MeSH D012174, MONDO:0019200, OMIM 268000. Inheritance: Autosomal dominant, autosomal recessive and X linked inheritance.

Allele frequency attached by ClinVar (database versions not stated): ESP Exome Variant Server 0.00969; 1000 Genomes Project 0.01777; 1000 Genomes Project 30x 0.01827; gnomAD 0.01939 and 0.02006; TOPMed 0.02411; gnomAD exomes 0.03007; ExAC 0.03235.
gnomAD v4.1: 29,678 of 1,552,246 alleles (1.9%); highest among the groups gnomAD compares: Admixed American, 10%; 627 homozygotes.

Submissions (4):

GeneDx
Classification: Benign. Last evaluated: 2021-05-04. Review status: criteria provided, single submitter. Criteria: GeneDx Variant Classification Process June 2021. Collection method: clinical testing. Allele origin: germline. Affected: yes.

Illumina Laboratory Services, Illumina
Classification: Benign for Oguchi disease-1. Last evaluated: 2018-01-12. Review status: criteria provided, single submitter. Criteria: ICSL Variant Classification Criteria 13 December 2019. Collection method: clinical testing. Allele origin: germline.
Comment: This variant was observed in the ICSL laboratory as part of a predisposition screen in an ostensibly healthy population. It had not been previously curated by ICSL or reported in the Human Gene Mutation Database (HGMD: prior to June 1st, 2018), and was therefore a candidate for classification through an automated scoring system. Utilizing variant allele frequency, disease prevalence and penetrance estimates, and inheritance mode, an automated score was calculated to assess if this variant is too frequent to cause the disease. Based on the score and internal cut-off values, a variant classified as benign is not then subjected to further curation. The score for this variant resulted in a classification of benign for this disease.

Illumina Laboratory Services, Illumina
Classification: Benign for Retinitis pigmentosa. Last evaluated: 2018-01-12. Review status: criteria provided, single submitter. Criteria: ICSL Variant Classification Criteria 13 December 2019. Collection method: clinical testing. Allele origin: germline.
Comment: the same text as in the submission from Illumina Laboratory Services, Illumina above.

Breakthrough Genomics
Classification: Benign. Review status: criteria provided, single submitter. Criteria: ACMG Guidelines, 2015. Collection method: not provided. Allele origin: germline. Inheritance: Autosomal recessive inheritance. Affected: yes.

NM_000541.5(SAG):c.*7C>T

Gene: SAG (S-antigen visual arrestin; plus strand). Cytogenetic location: 2q37.1.
Variant type: single nucleotide variant.
Coding change: c.*7C>T on transcript NM_000541.5 (MANE Select); 7 bases downstream of the stop codon, C replaced by T.
Molecular consequence: 3 prime UTR variant.
Genome position (GRCh38, 1-based): chr2:233,346,919, C>T. VCF-style: chr2-233346919-C-T. GRCh37 (hg19) VCF-style: chr2-234255565-C-T.
Identifiers: ClinVar variation 335075 (VCV000335075.9), dbSNP rs692, ClinGen allele CA2174723.
Genomic context (GRCh38, chr2:233,346,919, plus strand): 5'-GATGCAGGAGAAGCTGAGGAGGGGAAGAGAGACAAGAATGACGTTGATGAGTGAAGATGT[C>T]GGCTCAGGATGCCGGAAAATGACCTGTAGTTACCAGTGCAACGAGCAAAGCCCCACAGTT-3'